The following is an entry in ClinVar:

NM_015160.3(PMPCA):c.126C>T (p.Ile42=)

Gene: PMPCA (peptidase, mitochondrial processing subunit alpha; plus strand). Cytogenetic location: 9q34.3.
Variant type: single nucleotide variant.
Coding change: c.126C>T on transcript NM_015160.3 (MANE Select); coding-DNA position 126, C replaced by T.
Protein change: p.Ile42=; no amino-acid change (isoleucine 42 retained).
Molecular consequence: synonymous variant. On other transcripts: 5 prime UTR variant (2).
Genome position (GRCh38, 1-based): chr9:136,412,051, C>T. VCF-style: chr9-136412051-C-T. GRCh37 (hg19) VCF-style: chr9-139306503-C-T.
Other names: c.-173C>T (NM_001282944.2, NM_001282946.2).
Identifiers: ClinVar variation 778385 (VCV000778385.48), dbSNP rs142694992, ClinGen allele CA5335859.
Genomic context (GRCh38, chr9:136,412,051, plus strand): 5'-TTTTAGGTTTGGACCTCCTGCGTACAGACGGTTTAGTAGTGGTGGTGCCTATCCCAACAT[C>T]CCCCTCTCTTCTCCCTTACCTGGAGTACCCAAGCCTGTTTTTGCTACAGTTGATGGACAG-3'
Protein context (NP_055975.1, residues 32-52): RFSSGGAYPN[Ile42=]PLSSPLPGVP

ClinVar aggregate classification (germline): Likely benign. Review status: criteria provided, multiple submitters, no conflicts (2 of 4 stars). 4 submissions from 4 submitters: Likely benign (4). Last evaluated 2026-07-01.

Allele frequency attached by ClinVar (database versions not stated): ESP Exome Variant Server 0.00069; 1000 Genomes Project 30x 0.00094; ExAC 0.00097; 1000 Genomes Project 0.00100; gnomAD 0.00101; gnomAD exomes 0.00102; TOPMed 0.00122.
gnomAD v4.1: 1,946 of 1,613,314 alleles (0.12%); highest among the groups gnomAD compares: Middle Eastern, 0.92%; 3 homozygotes.

Submissions (4):

CeGaT Center for Human Genetics Tuebingen
Classification: Likely benign. Last evaluated: 2026-07-01. Review status: criteria provided, single submitter. Criteria: CeGaT Center For Human Genetics Tuebingen Variant Classification Criteria Version 2. Collection method: clinical testing. Allele origin: germline. Affected: yes. Observed: 10 variant alleles.
Comment: PMPCA: BP4, BP7

Labcorp Genetics (formerly Invitae), Labcorp
Classification: Likely benign. Last evaluated: 2026-01-17. Review status: criteria provided, single submitter. Criteria: Invitae Variant Classification Sherloc (09022015). Collection method: clinical testing. Allele origin: germline.

Blueprint Genetics
Classification: Likely benign. Last evaluated: 2024-11-26. Review status: criteria provided, single submitter. Criteria: ACMG Guidelines, 2015. Collection method: clinical testing. Allele origin: germline.

Breakthrough Genomics
Classification: Likely benign. Review status: criteria provided, single submitter. Criteria: ACMG Guidelines, 2015. Collection method: not provided. Allele origin: germline. Inheritance: Autosomal recessive inheritance. Affected: yes.